The following is an entry in ClinVar:

ClinVar aggregate classification (germline): Uncertain significance (1 of 4 stars; one submission).

Conditions:
Cryptosporidiosis-chronic cholangitis-liver disease syndrome. Also called: IL21R immunodeficiency; Immunodeficiency type 56. Identifiers: Orphanet 357329, MedGen C3554687, MONDO:0014082, OMIM 615207.

Allele frequency attached by ClinVar (database versions not stated): gnomAD 0.00001; ExAC 0.00003.
gnomAD v4.1: 18 of 1,569,574 alleles (0.0011%); highest among the groups gnomAD compares: Non-Finnish European, 0.0014%; no homozygotes.

Submission:

Labcorp Genetics (formerly Invitae), Labcorp
Classification: Uncertain significance for Cryptosporidiosis-chronic cholangitis-liver disease syndrome. Last evaluated: 2022-08-23. Review status: criteria provided, single submitter. Criteria: Invitae Variant Classification Sherloc (09022015). Collection method: clinical testing. Allele origin: germline.
Comment: In summary, the available evidence is currently insufficient to determine the role of this variant in disease. Therefore, it has been classified as a Variant of Uncertain Significance. Algorithms developed to predict the effect of missense changes on protein structure and function output the following: SIFT: "Deleterious"; PolyPhen-2: "Benign"; Align-GVGD: "Class C65". The proline amino acid residue is found in multiple mammalian species, which suggests that this missense change does not adversely affect protein function. This variant has not been reported in the literature in individuals affected with IL21R-related conditions. The frequency data for this variant in the population databases is considered unreliable, as metrics indicate poor data quality at this position in the gnomAD database. This sequence change replaces leucine, which is neutral and non-polar, with proline, which is neutral and non-polar, at codon 186 of the IL21R protein (p.Leu186Pro).

NM_181078.3(IL21R):c.557T>C (p.Leu186Pro)

Gene: IL21R (interleukin 21 receptor; plus strand). Cytogenetic location: 16p12.1.
Variant type: single nucleotide variant.
Coding change: c.557T>C on transcript NM_181078.3 (MANE Select); coding-DNA position 557, T replaced by C.
Protein change: p.Leu186Pro; replaces leucine 186 with proline.
Molecular consequence: missense variant.
Genome position (GRCh38, 1-based): chr16:27,444,591, T>C. VCF-style: chr16-27444591-T-C. GRCh37 (hg19) VCF-style: chr16-27455912-T-C.
Other names: c.557T>C, p.Leu186Pro (NM_021798.4); c.623T>C, p.Leu208Pro (NM_181079.5); short protein forms L186P, L208P.
Identifiers: ClinVar variation 2160729 (VCV002160729.2), dbSNP rs747558325, ClinGen allele CA7975009.